The following is an entry in ClinVar:

ClinVar aggregate classification (germline): Likely benign. Review status: criteria provided, multiple submitters, no conflicts (2 of 4 stars). 8 submissions from 8 submitters: Likely benign (8). Last evaluated 2026-05-06.

Conditions:
COL3A1-related disorder. Also called: COL3A1-related condition.
Ehlers-Danlos syndrome, type 4 (EDSVASC). Also called: Ehlers-Danlos syndrome vascular type; Ehlers Danlos syndrome, ecchymotic type; Ehlers Danlos syndrome, arterial type; Ehlers Danlos syndrome, Sack-Barabas type; Ehlers-Danlos Syndrome Type IV. Identifiers: Orphanet 286, MedGen C0268338, MONDO:0017314, OMIM 130050.
Familial thoracic aortic aneurysm and aortic dissection (TAAD). Also called: Thoracic aortic aneurysms and dissections. Identifiers: Orphanet 91387, MedGen C4707243, MONDO:0019625.

Allele frequency attached by ClinVar (database versions not stated): gnomAD 0.00001; ExAC 0.00002; gnomAD exomes 0.00002; TOPMed 0.00002; ESP Exome Variant Server 0.00008.
gnomAD v4.1: 23 of 1,613,498 alleles (0.0014%); highest among the groups gnomAD compares: Admixed American, 0.0033%; no homozygotes.

Submissions (8):

Women's Health and Genetics/Laboratory Corporation of America, LabCorp
Classification: Likely benign. Last evaluated: 2026-05-06. Review status: criteria provided, single submitter. Criteria: LabCorp Variant Classification Summary - May 2015. Collection method: clinical testing. Allele origin: germline.

PreventionGenetics, part of Exact Sciences
Classification: Likely benign for COL3A1-related condition. Last evaluated: 2026-02-05. Review status: criteria provided, single submitter. Criteria: ACMG Guidelines, 2015. Collection method: clinical testing. Allele origin: germline.
Comment: This variant is classified as likely benign based on ACMG/AMP sequence variant interpretation guidelines (Richards et al. 2015 PMID: 25741868, with internal and published modifications).

Labcorp Genetics (formerly Invitae), Labcorp
Classification: Likely benign for Ehlers-Danlos syndrome, type 4. Last evaluated: 2026-01-05. Review status: criteria provided, single submitter. Criteria: Invitae Variant Classification Sherloc (09022015). Collection method: clinical testing. Allele origin: germline.

Blueprint Genetics
Classification: Likely benign. Last evaluated: 2024-04-04. Review status: criteria provided, single submitter. Criteria: ACMG Guidelines, 2015. Collection method: clinical testing. Allele origin: germline.

Ambry Genetics
Classification: Likely benign for Familial thoracic aortic aneurysm and aortic dissection. Last evaluated: 2024-02-12. Review status: criteria provided, single submitter. Criteria: Ambry Variant Classification Scheme 2023. Collection method: clinical testing. Allele origin: germline.

All of Us Research Program, National Institutes of Health
Classification: Likely benign for Ehlers-Danlos syndrome, type 4. Last evaluated: 2024-02-05. Review status: criteria provided, single submitter. Criteria: ACMG Guidelines, 2015. Collection method: clinical testing. Allele origin: germline. Inheritance: Autosomal dominant inheritance. Observed: 3 variant alleles, 3 heterozygotes.
Comment: This study involves interpretation of variants in research participants for the purpose of population health screening. Participant phenotype was not available at the time of variant classification. Additional details can be found in publication PMID: 35346344, PMCID: PMC8962531

Color Diagnostics, LLC DBA Color Health
Classification: Likely benign for Familial thoracic aortic aneurysm and aortic dissection. Last evaluated: 2019-05-20. Review status: criteria provided, single submitter. Criteria: ACMG Guidelines, 2015. Collection method: clinical testing. Allele origin: germline.

GeneDx
Classification: Likely benign. Last evaluated: 2017-01-25. Review status: criteria provided, single submitter. Criteria: GeneDx Variant Classification (06012015). Collection method: clinical testing. Allele origin: germline. Affected: yes.
Comment: This variant is considered likely benign or benign based on one or more of the following criteria: it is a conservative change, it occurs at a poorly conserved position in the protein, it is predicted to be benign by multiple in silico algorithms, and/or has population frequency not consistent with disease.

NM_000090.4(COL3A1):c.1431G>A (p.Gly477=)

Gene: COL3A1 (collagen type III alpha 1 chain; plus strand). Cytogenetic location: 2q32.2.
Variant type: single nucleotide variant.
Coding change: c.1431G>A on transcript NM_000090.4 (MANE Select); coding-DNA position 1431, G replaced by A.
Protein change: p.Gly477=; no amino-acid change (glycine 477 retained).
Molecular consequence: synonymous variant.
Genome position (GRCh38, 1-based): chr2:188,994,807, G>A. VCF-style: chr2-188994807-G-A. GRCh37 (hg19) VCF-style: chr2-189859533-G-A.
Identifiers: ClinVar variation 507021 (VCV000507021.13), dbSNP rs368765585, ClinGen allele CA074283.